The following is an entry in ClinVar:

NM_000096.4(CP):c.457G>A (p.Glu153Lys)

Gene: CP (ceruloplasmin; minus strand). Cytogenetic location: 3q25.1.
Variant type: single nucleotide variant.
Coding change: c.457G>A on transcript NM_000096.4 (MANE Select); coding-DNA position 457, G replaced by A.
Protein change: p.Glu153Lys; replaces glutamic acid 153 with lysine.
Molecular consequence: missense variant. On other transcripts: non-coding transcript variant (1).
Genome position (GRCh38, 1-based): chr3:149,210,317, C>T on the plus strand (G>A on the coding strand, the complement: CP is on the minus strand). VCF-style: chr3-149210317-C-T. GRCh37 (hg19) VCF-style: chr3-148928104-C-T.
Other names: p.Glu153Lys; short protein forms E153K.
Identifiers: ClinVar variation 800210 (VCV000800210.12), dbSNP rs138646392, ClinGen allele CA2661310.

ClinVar aggregate classification (germline): Conflicting classifications of pathogenicity. Review status: criteria provided, conflicting classifications (1 of 4 stars). 3 submissions from 3 submitters: Uncertain significance (2); Benign (1). Last evaluated 2026-02-04.

Conditions:
Deficiency of ferroxidase (ACEP). Also called: Aceruloplasminemia; Deficiency of ceruloplasmin; NEURODEGENERATION WITH BRAIN IRON ACCUMULATION 10; Ceruloplasmin deficiency; Familial apoceruloplasmin deficiency; Hereditary ceruloplasmin deficiency. Identifiers: Orphanet 48818, MedGen C0878682, MONDO:0011426, OMIM 604290, HP:0025498.

Allele frequency attached by ClinVar (database versions not stated): gnomAD exomes 0.00006 and 0.00016; TOPMed 0.00057; 1000 Genomes Project 30x 0.00172; ESP Exome Variant Server 0.00038; ExAC 0.00022; 1000 Genomes Project 0.00180.

Submissions (3):

Labcorp Genetics (formerly Invitae), Labcorp
Classification: Benign for Deficiency of ferroxidase. Last evaluated: 2026-02-04. Review status: criteria provided, single submitter. Criteria: Invitae Variant Classification Sherloc (09022015). Collection method: clinical testing. Allele origin: germline.

GeneDx
Classification: Uncertain significance. Last evaluated: 2025-02-24. Review status: criteria provided, single submitter. Criteria: GeneDx Variant Classification Process June 2021. Collection method: clinical testing. Allele origin: germline. Affected: yes.
Comment: In silico analysis indicates that this missense variant does not alter protein structure/function; Has not been previously published as pathogenic or benign to our knowledge; Also known as p.(E134K)

Mayo Clinic Laboratories, Mayo Clinic
Classification: Uncertain significance. Last evaluated: 2025-02-06. Review status: criteria provided, single submitter. Criteria: ACMG Guidelines, 2015. Collection method: clinical testing. Allele origin: germline. Observed: 1 variant allele.
Comment: BS1